The following is an entry in ClinVar:

ClinVar aggregate classification (germline): Uncertain significance. Review status: criteria provided, multiple submitters, no conflicts (2 of 4 stars). 7 submissions from 7 submitters: Uncertain significance (7). Last evaluated 2026-01-04.

Conditions:
Familial adenomatous polyposis 4 (FAP4). Also called: MSH3-related attenuated familial adenomatous polyposis. Identifiers: Orphanet 480536, MedGen C4310719, MONDO:0044300, OMIM 617100.
Endometrial carcinoma. Also called: Endometrial carcinoma, somatic. Identifiers: MedGen C0476089, MONDO:0002447, OMIM 608089, HP:0012114.
Hereditary cancer-predisposing syndrome. Also called: Hereditary neoplastic syndrome; Tumor predisposition; Neoplastic Syndromes, Hereditary; Hereditary Cancer Syndrome. Identifiers: Orphanet 140162, MedGen C0027672, MeSH D009386, MONDO:0015356.

gnomAD v4.1: 11 of 1,612,500 alleles (0.00068%); highest among the groups gnomAD compares: Admixed American, 0.017%; no homozygotes.

Submissions (7):

Labcorp Genetics (formerly Invitae), Labcorp
Classification: Uncertain significance. Last evaluated: 2026-01-04. Review status: criteria provided, single submitter. Criteria: Invitae Variant Classification Sherloc (09022015). Collection method: clinical testing. Allele origin: germline.
Comment: This sequence change replaces arginine, which is basic and polar, with leucine, which is neutral and non-polar, at codon 796 of the MSH3 protein (p.Arg796Leu). This variant is present in population databases (rs542104580, gnomAD 0.02%). This variant has not been reported in the literature in individuals affected with MSH3-related conditions. ClinVar contains an entry for this variant (Variation ID: 657434). An algorithm developed to predict the effect of missense changes on protein structure and function (PolyPhen-2) suggests that this variant is likely to be disruptive. In summary, the available evidence is currently insufficient to determine the role of this variant in disease. Therefore, it has been classified as a Variant of Uncertain Significance.

Quest Diagnostics Nichols Institute San Juan Capistrano
Classification: Uncertain significance. Last evaluated: 2025-04-07. Review status: criteria provided, single submitter. Criteria: Quest Diagnostics criteria. Collection method: clinical testing. Allele origin: unknown.
Comment: The MSH3 c.2387G>T (p.Arg796Leu) variant has not been reported in individuals with MSH3-related conditions in the published literature. The frequency of this variant in the general population (Genome Aggregation Database) is uninformative in the assessment of its pathogenicity. Analysis of this variant using bioinformatics tools for the prediction of the effect of amino acid changes on protein structure and function yielded predictions that this variant is damaging. Based on the available information, we are unable to determine the clinical significance of this variant.

Revvity Omics, Revvity
Classification: Uncertain significance for Familial adenomatous polyposis 4. Last evaluated: 2024-05-21. Review status: criteria provided, single submitter. Criteria: ACMG Guidelines, 2015. Collection method: clinical testing. Allele origin: germline.

GeneDx
Classification: Uncertain significance. Last evaluated: 2024-04-25. Review status: criteria provided, single submitter. Criteria: GeneDx Variant Classification Process June 2021. Collection method: clinical testing. Allele origin: germline. Affected: yes.
Comment: In silico analysis supports that this missense variant has a deleterious effect on protein structure/function; Has not been previously published as pathogenic or benign to our knowledge

Baylor Genetics
Classification: Uncertain significance for Endometrial carcinoma. Last evaluated: 2024-03-18. Review status: criteria provided, single submitter. Criteria: ACMG Guidelines, 2015. Collection method: clinical testing. Allele origin: unknown.

Ambry Genetics
Classification: Uncertain significance for Hereditary cancer-predisposing syndrome. Last evaluated: 2023-12-14. Review status: criteria provided, single submitter. Criteria: Ambry Variant Classification Scheme 2023. Collection method: clinical testing. Allele origin: germline.
Comment: The p.R796L variant (also known as c.2387G>T), located in coding exon 17 of the MSH3 gene, results from a G to T substitution at nucleotide position 2387. The arginine at codon 796 is replaced by leucine, an amino acid with dissimilar properties. This amino acid position is highly conserved in available vertebrate species. In addition, this alteration is predicted to be deleterious by in silico analysis. Since supporting evidence is limited at this time, the clinical significance of this alteration remains unclear.

Mayo Clinic Laboratories, Mayo Clinic
Classification: Uncertain significance. Last evaluated: 2022-12-28. Review status: criteria provided, single submitter. Criteria: ACMG Guidelines, 2015. Collection method: clinical testing. Allele origin: germline. Observed: 1 variant allele.
Comment: PP3

NM_002439.5(MSH3):c.2387G>T (p.Arg796Leu)

Gene: MSH3 (mutS homolog 3; plus strand). Cytogenetic location: 5q14.1.
Variant type: single nucleotide variant.
Coding change: c.2387G>T on transcript NM_002439.5 (MANE Select); coding-DNA position 2387, G replaced by T.
Protein change: p.Arg796Leu; replaces arginine 796 with leucine.
Molecular consequence: missense variant.
Genome position (GRCh38, 1-based): chr5:80,778,788, G>T. VCF-style: chr5-80778788-G-T. GRCh37 (hg19) VCF-style: chr5-80074607-G-T.
Other names: p.Arg796Leu; short protein forms R796L.
Identifiers: ClinVar variation 657434 (VCV000657434.19), dbSNP rs542104580, ClinGen allele CA3328238.